The following is an entry in ClinVar:

ClinVar aggregate classification (germline): Benign/Likely benign. Review status: criteria provided, multiple submitters, no conflicts (2 of 4 stars). 2 submissions from 2 submitters: Benign (1); Likely benign (1). Last evaluated 2026-05-04.

Conditions:
GJB1-related disorder. Also called: GJB1-related condition; GJB1-related disorders.
Charcot-Marie-Tooth Neuropathy X. Identifiers: MedGen CN118851.

Allele frequency attached by ClinVar (database versions not stated): TOPMed 0.00004; gnomAD 0.00005 and 0.00006; gnomAD exomes 0.00012; ExAC 0.00022; 1000 Genomes Project 0.00026; 1000 Genomes Project 30x 0.00042.
gnomAD v4.1: 83 of 1,202,966 alleles (0.0069%); highest among the groups gnomAD compares: East Asian, 0.03%; no homozygotes.

Submissions (2):

PreventionGenetics, part of Exact Sciences
Classification: Likely benign for GJB1-related condition. Last evaluated: 2026-05-04. Review status: criteria provided, single submitter. Criteria: ACMG Guidelines, 2015. Collection method: clinical testing. Allele origin: germline.
Comment: This variant is classified as likely benign based on ACMG/AMP sequence variant interpretation guidelines (Richards et al. 2015 PMID: 25741868, with internal and published modifications).

Labcorp Genetics (formerly Invitae), Labcorp
Classification: Benign for Charcot-Marie-Tooth Neuropathy X. Last evaluated: 2025-11-17. Review status: criteria provided, single submitter. Criteria: Invitae Variant Classification Sherloc (09022015). Collection method: clinical testing. Allele origin: germline.

NM_000166.6(GJB1):c.504C>T (p.Cys168=)

Gene: GJB1 (gap junction protein beta 1; plus strand). Cytogenetic location: Xq13.1.
Variant type: single nucleotide variant.
Coding change: c.504C>T on transcript NM_000166.6 (MANE Select); coding-DNA position 504, C replaced by T.
Protein change: p.Cys168=; no amino-acid change (cysteine 168 retained).
Molecular consequence: synonymous variant.
Genome position (GRCh38, 1-based): chrX:71,224,211, C>T. VCF-style: chrX-71224211-C-T. GRCh37 (hg19) VCF-style: chrX-70444061-C-T.
Other names: c.504C>T, p.Cys168= (NM_001097642.3); c.504C>T (NM_000166.5).
Identifiers: ClinVar variation 1164458 (VCV001164458.10), dbSNP rs757808220, ClinGen allele CA10445307.
Genomic context (GRCh38, chrX:71,224,211, plus strand): 5'-CTTCATGTATGTCTTTTATCTGCTCTACCCTGGCTATGCCATGGTGCGGCTGGTCAAGTG[C>T]GACGTCTACCCCTGCCCCAACACAGTGGACTGCTTCGTGTCCCGCCCCACCGAGAAAACC-3'
Protein context (NP_000157.1, residues 158-178): PGYAMVRLVK[Cys168=]DVYPCPNTVD